The following is an entry in ClinVar:

ClinVar aggregate classification (germline): Uncertain significance (1 of 4 stars; one submission).

Conditions:
Hereditary cancer-predisposing syndrome. Also called: Neoplastic Syndromes, Hereditary; Tumor predisposition; Hereditary Cancer Syndrome; Hereditary neoplastic syndrome. Identifiers: Orphanet 140162, MedGen C0027672, MeSH D009386, MONDO:0015356.

Submission:

Ambry Genetics
Classification: Uncertain significance for Hereditary cancer-predisposing syndrome. Last evaluated: 2019-03-17. Review status: criteria provided, single submitter. Criteria: Ambry Variant Classification Scheme 2023. Collection method: clinical testing. Allele origin: germline.
Comment: The p.V603A variant (also known as c.1808T>C), located in coding exon 14 of the BAP1 gene, results from a T to C substitution at nucleotide position 1808. The valine at codon 603 is replaced by alanine, an amino acid with similar properties. This amino acid position is not well conserved in available vertebrate species. In addition, this alteration is predicted to be tolerated by in silico analysis. Since supporting evidence is limited at this time, the clinical significance of this alteration remains unclear.

NM_004656.4(BAP1):c.1808T>C (p.Val603Ala)

Gene: BAP1 (BRCA1 associated deubiquitinase 1; minus strand). Cytogenetic location: 3p21.1.
Variant type: single nucleotide variant.
Coding change: c.1808T>C on transcript NM_004656.4 (MANE Select); coding-DNA position 1808, T replaced by C.
Protein change: p.Val603Ala; replaces valine 603 with alanine.
Molecular consequence: missense variant.
Genome position (GRCh38, 1-based): chr3:52,403,220, A>G on the plus strand (T>C on the coding strand, the complement: BAP1 is on the minus strand). VCF-style: chr3-52403220-A-G. GRCh37 (hg19) VCF-style: chr3-52437236-A-G.
Other names: short protein forms V603A.
Identifiers: ClinVar variation 820118 (VCV000820118.4), dbSNP rs1578219733, ClinGen allele CA353098656.